The following is an entry in ClinVar:

NM_002439.5(MSH3):c.2086G>A (p.Val696Ile)

Gene: MSH3 (mutS homolog 3; plus strand). Cytogenetic location: 5q14.1.
Variant type: single nucleotide variant.
Coding change: c.2086G>A on transcript NM_002439.5 (MANE Select); coding-DNA position 2086, G replaced by A.
Protein change: p.Val696Ile; replaces valine 696 with isoleucine.
Molecular consequence: missense variant.
Genome position (GRCh38, 1-based): chr5:80,768,836, G>A. VCF-style: chr5-80768836-G-A. GRCh37 (hg19) VCF-style: chr5-80064655-G-A.
Other names: short protein forms V696I.
Identifiers: ClinVar variation 855196 (VCV000855196.8), dbSNP rs1354292487, ClinGen allele CA360279160.

ClinVar aggregate classification (germline): Conflicting classifications of pathogenicity. Review status: criteria provided, conflicting classifications (1 of 4 stars). 2 submissions from 2 submitters: Uncertain significance (1); Likely benign (1). Last evaluated 2022-09-01.

Conditions:
Hereditary cancer-predisposing syndrome. Also called: Neoplastic Syndromes, Hereditary; Hereditary Cancer Syndrome; Tumor predisposition; Hereditary neoplastic syndrome. Identifiers: Orphanet 140162, MedGen C0027672, MeSH D009386, MONDO:0015356.

Allele frequency attached by ClinVar (database versions not stated): TOPMed 0.00001.

Submissions (2):

Labcorp Genetics (formerly Invitae), Labcorp
Classification: Uncertain significance. Last evaluated: 2022-09-01. Review status: criteria provided, single submitter. Criteria: Invitae Variant Classification Sherloc (09022015). Collection method: clinical testing. Allele origin: germline.
Comment: This variant has not been reported in the literature in individuals affected with MSH3-related conditions. This variant is not present in population databases (gnomAD no frequency). This sequence change replaces valine, which is neutral and non-polar, with isoleucine, which is neutral and non-polar, at codon 696 of the MSH3 protein (p.Val696Ile). ClinVar contains an entry for this variant (Variation ID: 855196). Algorithms developed to predict the effect of missense changes on protein structure and function output the following: SIFT: "Tolerated"; PolyPhen-2: "Benign"; Align-GVGD: "Class C0". The isoleucine amino acid residue is found in multiple mammalian species, which suggests that this missense change does not adversely affect protein function. In summary, the available evidence is currently insufficient to determine the role of this variant in disease. Therefore, it has been classified as a Variant of Uncertain Significance.

Ambry Genetics
Classification: Likely benign for Hereditary cancer-predisposing syndrome. Last evaluated: 2021-04-14. Review status: criteria provided, single submitter. Criteria: Ambry Variant Classification Scheme 2023. Collection method: clinical testing. Allele origin: germline.